The following is an entry in ClinVar:

ClinVar aggregate classification (germline): Uncertain significance (1 of 4 stars; one submission).

Allele frequency attached by ClinVar (database versions not stated): gnomAD 0.00001.
gnomAD v4.1: 8 of 1,613,856 alleles (0.0005%); highest among the groups gnomAD compares: South Asian, 0.0033%; no homozygotes.

Submission:

Labcorp Genetics (formerly Invitae), Labcorp
Classification: Uncertain significance. Last evaluated: 2024-10-15. Review status: criteria provided, single submitter. Criteria: Invitae Variant Classification Sherloc (09022015). Collection method: clinical testing. Allele origin: germline.
Comment: This sequence change replaces valine, which is neutral and non-polar, with isoleucine, which is neutral and non-polar, at codon 431 of the CLCN2 protein (p.Val431Ile). This variant is present in population databases (no rsID available, gnomAD 0.006%). This variant has not been reported in the literature in individuals affected with CLCN2-related conditions. ClinVar contains an entry for this variant (Variation ID: 1432162). Invitae Evidence Modeling of protein sequence and biophysical properties (such as structural, functional, and spatial information, amino acid conservation, physicochemical variation, residue mobility, and thermodynamic stability) indicates that this missense variant is not expected to disrupt CLCN2 protein function with a negative predictive value of 80%. In summary, the available evidence is currently insufficient to determine the role of this variant in disease. Therefore, it has been classified as a Variant of Uncertain Significance.

NM_004366.6(CLCN2):c.1291G>A (p.Val431Ile)

Gene: CLCN2 (chloride voltage-gated channel 2; minus strand). Cytogenetic location: 3q27.1.
Variant type: single nucleotide variant.
Coding change: c.1291G>A on transcript NM_004366.6 (MANE Select); coding-DNA position 1291, G replaced by A.
Protein change: p.Val431Ile; replaces valine 431 with isoleucine.
Molecular consequence: missense variant.
Genome position (GRCh38, 1-based): chr3:184,355,409, C>T on the plus strand (G>A on the coding strand, the complement: CLCN2 is on the minus strand). VCF-style: chr3-184355409-C-T. GRCh37 (hg19) VCF-style: chr3-184073197-C-T.
Other names: c.1291G>A, p.Val431Ile (NM_001171087.3, NM_001171089.3); c.1159G>A, p.Val387Ile (NM_001171088.3); short protein forms V387I, V431I.
Identifiers: ClinVar variation 1432162 (VCV001432162.6), dbSNP rs758705606, ClinGen allele CA88896013.
Genomic context (GRCh38, chr3:184,355,409, plus strand): 5'-AGCAGTGTACACGTGAGGAGCCCACCTTCATGAGAATGAAGATGACCAGGGTGAGGAAGA[C>T]GTTGGCACGTGGTGGGTTCCAGGCCTGTGAGGTGCTGGGTGGTTCTAGCTCCTCCACCAG-3'
Protein context (NP_004357.3, residues 421-441): SQAWNPPRAN[Val431Ile]FLTLVIFILM